The following is an entry in ClinVar:

NM_015409.5(EP400):c.6263G>T (p.Gly2088Val)

Gene: EP400 (E1A binding protein p400; plus strand). Cytogenetic location: 12q24.33.
Variant type: single nucleotide variant.
Coding change: c.6263G>T on transcript NM_015409.5 (MANE Select); coding-DNA position 6263, G replaced by T.
Protein change: p.Gly2088Val; replaces glycine 2088 with valine.
Molecular consequence: missense variant.
Genome position (GRCh38, 1-based): chr12:132,043,359, G>T. VCF-style: chr12-132043359-G-T. GRCh37 (hg19) VCF-style: chr12-132527904-G-T.
Other names: short protein forms G2088V.
Identifiers: ClinVar variation 3345843 (VCV003345843.1).
Genomic context (GRCh38, chr12:132,043,359, plus strand): 5'-CTCAGGCCCTCAAGAGTATTGAGTATCTGGAGGAGGATGCCCAGAAGTCCGCACAGGAGG[G>T]GGTGCTGGGACCACACACTGATGCTCTGTCATCAGACTCTGAGAACATGCCGTGTGATGA-3'
Protein context (NP_056224.3, residues 2078-2098): EEDAQKSAQE[Gly2088Val]VLGPHTDALS

ClinVar aggregate classification (germline): Uncertain significance (0 of 4 stars; one submission).

Conditions:
EP400-related disorder. Also called: EP400-related condition.

Submission:

PreventionGenetics, part of Exact Sciences
Classification: Uncertain significance for EP400-related condition. Last evaluated: 2024-09-17. Review status: no assertion criteria provided. Collection method: clinical testing. Allele origin: germline.
Comment: The EP400 c.6263G>T variant is predicted to result in the amino acid substitution p.Gly2088Val. To our knowledge, this variant has not been reported in the literature or in a large population database, indicating this variant is rare. At this time, the clinical significance of this variant is uncertain due to the absence of conclusive functional and genetic evidence.